The following is an entry in ClinVar:

NM_022089.4(ATP13A2):c.1196G>A (p.Gly399Glu)

Gene: ATP13A2 (ATPase cation transporting 13A2; minus strand). Cytogenetic location: 1p36.13.
Variant type: single nucleotide variant.
Coding change: c.1196G>A on transcript NM_022089.4 (MANE Select); coding-DNA position 1196, G replaced by A.
Protein change: p.Gly399Glu; replaces glycine 399 with glutamic acid.
Molecular consequence: missense variant.
Genome position (GRCh38, 1-based): chr1:16,996,496, C>T on the plus strand (G>A on the coding strand, the complement: ATP13A2 is on the minus strand). VCF-style: chr1-16996496-C-T. GRCh37 (hg19) VCF-style: chr1-17322991-C-T.
Other names: c.1181G>A, p.Gly394Glu (NM_001141973.3, NM_001141974.3); short protein forms G394E, G399E.
Identifiers: ClinVar variation 1372075 (VCV001372075.6), dbSNP rs2100897670, ClinGen allele CA338254926.
Genomic context (GRCh38, chr1:16,996,496, plus strand): 5'-AAGTTGATGGGCCGGGGGTGCAAGATGGAGCTCACCAGGCCCCCTTTTGCCGTGCAGAAC[C>T]CTGGGGAGGAGGCGGGGACCCCAAGGCAGGGAAGCCAGGGTGAGGGCAGGCCTTCCCCAC-3'
Protein context (NP_071372.1, residues 389-409): PHVLAVVTRT[Gly399Glu]FCTAKGGLVS

ClinVar aggregate classification (germline): Uncertain significance (1 of 4 stars; one submission).

Conditions:
Kufor-Rakeb syndrome (KRS). Also called: PARKINSON DISEASE 9, AUTOSOMAL RECESSIVE, JUVENILE-ONSET. Identifiers: Orphanet 306674, Orphanet 314632, MedGen C1847640, MONDO:0011706, OMIM 606693.
Autosomal recessive spastic paraplegia type 78. Identifiers: Orphanet 513436, MedGen C5567893, MONDO:0014975, OMIM 617225.

Allele frequency attached by ClinVar (database versions not stated): gnomAD exomes below 0.00001.
gnomAD v4.1: 1 of 1,613,766 alleles (0.000062%); highest among the groups gnomAD compares: Non-Finnish European, 0.000085%; no homozygotes.

Submission:

Labcorp Genetics (formerly Invitae), Labcorp
Classification: Uncertain significance for Kufor-Rakeb syndrome; Autosomal recessive spastic paraplegia type 78. Last evaluated: 2021-08-03. Review status: criteria provided, single submitter. Criteria: Invitae Variant Classification Sherloc (09022015). Collection method: clinical testing. Allele origin: germline.
Comment: This sequence change replaces glycine with glutamic acid at codon 399 of the ATP13A2 protein (p.Gly399Glu). The glycine residue is highly conserved and there is a moderate physicochemical difference between glycine and glutamic acid. In summary, the available evidence is currently insufficient to determine the role of this variant in disease. Therefore, it has been classified as a Variant of Uncertain Significance. Algorithms developed to predict the effect of missense changes on protein structure and function (SIFT, PolyPhen-2, Align-GVGD) all suggest that this variant is likely to be disruptive. This variant has not been reported in the literature in individuals affected with ATP13A2-related conditions. This variant is not present in population databases (ExAC no frequency).